The following is an entry in ClinVar:

NM_004006.3(DMD):c.1704+4T>C

Gene: DMD (dystrophin; minus strand). Cytogenetic location: Xp21.1.
Variant type: single nucleotide variant.
Coding change: c.1704+4T>C on transcript NM_004006.3 (MANE Select); 4 bases into the intron after coding-DNA position 1704, T replaced by C.
Molecular consequence: intron variant.
Genome position (GRCh38, 1-based): chrX:32,573,741, A>G on the plus strand (T>C on the coding strand, the complement: DMD is on the minus strand). VCF-style: chrX-32573741-A-G. GRCh37 (hg19) VCF-style: chrX-32591858-A-G.
Other names: c.1680+4T>C (NM_000109.4); c.1692+4T>C (NM_004009.3); c.1335+4T>C (NM_004010.3).
Identifiers: ClinVar variation 2660249 (VCV002660249.25), dbSNP rs1311057690, ClinGen allele CA641364337.

ClinVar aggregate classification (germline): Conflicting classifications of pathogenicity. Review status: criteria provided, conflicting classifications (1 of 4 stars). 2 submissions from 2 submitters: Uncertain significance (1); Likely benign (1). Last evaluated 2024-07-29.

Allele frequency attached by ClinVar (database versions not stated): gnomAD 0.00001.
gnomAD v4.1: 1 of 1,207,875 alleles (0.000083%); highest among the groups gnomAD compares: East Asian, 0.003%; no homozygotes.

Submissions (2):

Women's Health and Genetics/Laboratory Corporation of America, LabCorp
Classification: Uncertain significance. Last evaluated: 2024-07-29. Review status: criteria provided, single submitter. Criteria: LabCorp Variant Classification Summary - May 2015. Collection method: clinical testing. Allele origin: germline.

CeGaT Center for Human Genetics Tuebingen
Classification: Likely benign. Last evaluated: 2023-01-01. Review status: criteria provided, single submitter. Criteria: CeGaT Center For Human Genetics Tuebingen Variant Classification Criteria Version 2. Collection method: clinical testing. Allele origin: germline. Affected: yes. Observed: 1 variant allele.
Comment: DMD: BP4, BS2